The following is an entry in ClinVar:

ClinVar aggregate classification (germline): Pathogenic (1 of 4 stars; one submission).

Conditions:
Beckwith-Wiedemann syndrome (BWS). Also called: EMG SYNDROME; Exomphalos macroglossia gigantism syndrome. Identifiers: Orphanet 116, MedGen C0004903, MONDO:0007534, OMIM 130650.

Submission:

Labcorp Genetics (formerly Invitae), Labcorp
Classification: Pathogenic for Beckwith-Wiedemann syndrome. Last evaluated: 2021-05-31. Review status: criteria provided, single submitter. Criteria: Invitae Variant Classification Sherloc (09022015). Collection method: clinical testing. Allele origin: germline.
Comment: For these reasons, this variant has been classified as Pathogenic. This variant has not been reported in the literature in individuals with CDKN1C-related conditions. This variant is not present in population databases (ExAC no frequency). This sequence change creates a premature translational stop signal (p.Trp79*) in the CDKN1C gene. It is expected to result in an absent or disrupted protein product. Loss-of-function variants in CDKN1C are known to be pathogenic (PMID: 20503313).

Literature cited by the submitters: PubMed 20503313.

NM_001122630.2(CDKN1C):c.204G>A (p.Trp68Ter)

Gene: CDKN1C (cyclin dependent kinase inhibitor 1C; minus strand). Cytogenetic location: 11p15.4.
Variant type: single nucleotide variant.
Coding change: c.204G>A on transcript NM_001122630.2 (MANE Select); coding-DNA position 204, G replaced by A.
Protein change: p.Trp68Ter; replaces tryptophan 68 with a stop codon.
Molecular consequence: nonsense.
Genome position (GRCh38, 1-based): chr11:2,885,253, C>T on the plus strand (G>A on the coding strand, the complement: CDKN1C is on the minus strand). VCF-style: chr11-2885253-C-T. GRCh37 (hg19) VCF-style: chr11-2906483-C-T.
Other names: c.237G>A, p.Trp79Ter (NM_000076.2, NM_001362474.2); c.204G>A, p.Trp68Ter (NM_001122631.2, NM_001362475.2); short protein forms W68*, W79*.
Identifiers: ClinVar variation 1396638 (VCV001396638.6), dbSNP rs2133785693, ClinGen allele CA379147284.
Genomic context (GRCh38, chr11:2,885,253, plus strand): 5'-GCGCCCCACCTGCACCGTCTCGCGGTAGAACGCGGGCACCGAGTCGCTGTCCACTTCGGT[C>T]CACTGCAGGCGTCCAGGGCCCCGCAGCGGCATGTCCTGCTGGAAGTCGTAATCCCAGCGG-3'